The following is an entry in ClinVar:

NM_000466.3(PEX1):c.1259_1261del (p.Lys420del)

Gene: PEX1 (peroxisomal biogenesis factor 1; minus strand). Cytogenetic location: 7q21.2.
Variant type: Deletion.
Coding change: c.1259_1261del on transcript NM_000466.3 (MANE Select); coding-DNA positions 1259 to 1261, 3 bases deleted (AGA; older notation c.1259_1261delAGA).
Protein change: p.Lys420del; deletes lysine 420.
Molecular consequence: inframe deletion.
Genome position (GRCh38, 1-based): chr7:92,513,946-92,513,948, TCT deleted on the plus strand (AGA on the coding strand, the reverse complement: PEX1 is on the minus strand); deleting any 3 consecutive bases within chr7:92,513,946-92,513,950 gives the same sequence; the c. name uses the placement nearest the transcript's 3' end. VCF-style (leftmost placement, unchanged base first): chr7-92513945-CTCT-C. GRCh37 (hg19) VCF-style: chr7-92143259-CTCT-C.
Other names: c.1259_1261del, p.Lys420del (NM_001282677.2); c.635_637del, p.Lys212del (NM_001282678.2); short protein forms K212del, K420del.
Identifiers: ClinVar variation 4721903 (VCV004721903.1).
Genomic context (GRCh38, chr7:92,513,945, plus strand): 5'-ATTTTAGGGGTAACTTCCACTGGAGTTATCCTGACTACGGCATGCATTTCTATATTTAGT[CTCT>C]TCCTCAGGTCATCTGGAATCTGAAATTTAAAAATAAACAAAAATATAAATATATTCAAAG-3'

ClinVar aggregate classification (germline): Uncertain significance (1 of 4 stars; one submission).

Conditions:
Zellweger spectrum disorders (ZS). Also called: Zellweger Spectrum Disorder; Zellweger Spectrum; Zellweger syndrome; Zellweger Spectrum Disorder (ZSD). Identifiers: Orphanet 912, MedGen C0043459, MONDO:0019609.

Submission:

Labcorp Genetics (formerly Invitae), Labcorp
Classification: Uncertain significance for Zellweger spectrum disorders. Last evaluated: 2025-10-01. Review status: criteria provided, single submitter. Criteria: Invitae Variant Classification Sherloc (09022015). Collection method: clinical testing. Allele origin: germline.
Comment: This variant, c.1259_1261del, results in the deletion of 1 amino acid(s) of the PEX1 protein (p.Lys420del), but otherwise preserves the integrity of the reading frame. This variant is not present in population databases (gnomAD no frequency). This variant has not been reported in the literature in individuals affected with PEX1-related conditions. Experimental studies and prediction algorithms are not available or were not evaluated, and the functional significance of this variant is currently unknown. In summary, the available evidence is currently insufficient to determine the role of this variant in disease. Therefore, it has been classified as a Variant of Uncertain Significance.